The following is an entry in ClinVar:

NM_006846.4(SPINK5):c.1084T>A (p.Ser362Thr)

Gene: SPINK5 (serine peptidase inhibitor Kazal type 5; plus strand). Cytogenetic location: 5q32.
Variant type: single nucleotide variant.
Coding change: c.1084T>A on transcript NM_006846.4 (MANE Select); coding-DNA position 1084, T replaced by A.
Protein change: p.Ser362Thr; replaces serine 362 with threonine.
Molecular consequence: missense variant.
Genome position (GRCh38, 1-based): chr5:148,099,307, T>A. VCF-style: chr5-148099307-T-A. GRCh37 (hg19) VCF-style: chr5-147478870-T-A.
Other names: c.1084T>A, p.Ser362Thr (NM_001127698.2, NM_001127699.2); short protein forms S362T.
Identifiers: ClinVar variation 860332 (VCV000860332.8), dbSNP rs375573803, ClinGen allele CA3495457.

ClinVar aggregate classification (germline): Uncertain significance (1 of 4 stars; one submission).

Conditions:
Ichthyosis linearis circumflexa. Identifiers: MedGen C0265962, MONDO:0043106, HP:0025810.

Allele frequency attached by ClinVar (database versions not stated): ExAC 0.00003; gnomAD exomes 0.00003; gnomAD 0.00007; ESP Exome Variant Server 0.00008; TOPMed 0.00012.
gnomAD v4.1: 22 of 1,611,954 alleles (0.0014%); highest among the groups gnomAD compares: African/African-American, 0.029%; no homozygotes.

Submission:

Labcorp Genetics (formerly Invitae), Labcorp
Classification: Uncertain significance for Ichthyosis linearis circumflexa. Last evaluated: 2023-11-27. Review status: criteria provided, single submitter. Criteria: Invitae Variant Classification Sherloc (09022015). Collection method: clinical testing. Allele origin: germline.
Comment: This sequence change replaces serine, which is neutral and polar, with threonine, which is neutral and polar, at codon 362 of the SPINK5 protein (p.Ser362Thr). This variant is present in population databases (rs375573803, gnomAD 0.04%). This variant has not been reported in the literature in individuals affected with SPINK5-related conditions. ClinVar contains an entry for this variant (Variation ID: 860332). Advanced modeling of protein sequence and biophysical properties (such as structural, functional, and spatial information, amino acid conservation, physicochemical variation, residue mobility, and thermodynamic stability) performed at Invitae indicates that this missense variant is not expected to disrupt SPINK5 protein function with a negative predictive value of 80%. In summary, the available evidence is currently insufficient to determine the role of this variant in disease. Therefore, it has been classified as a Variant of Uncertain Significance.